The following is an entry in ClinVar:

ClinVar aggregate classification (germline): Uncertain significance. Review status: criteria provided, multiple submitters, no conflicts (2 of 4 stars). 2 submissions from 2 submitters: Uncertain significance (2). Last evaluated 2024-03-28.

Conditions:
Ehlers-Danlos syndrome, type 4 (EDSVASC). Also called: Ehlers-Danlos Syndrome Type IV; Ehlers-Danlos syndrome vascular type; Ehlers Danlos syndrome, ecchymotic type; Ehlers Danlos syndrome, arterial type; Ehlers Danlos syndrome, Sack-Barabas type. Identifiers: Orphanet 286, MedGen C0268338, MONDO:0017314, OMIM 130050.

Submissions (2):

All of Us Research Program, National Institutes of Health
Classification: Uncertain significance for Ehlers-Danlos syndrome, type 4. Last evaluated: 2024-03-28. Review status: criteria provided, single submitter. Criteria: ACMG Guidelines, 2015. Collection method: clinical testing. Allele origin: germline. Inheritance: Autosomal dominant inheritance. Observed: 1 variant allele, 1 heterozygote.
Comment: This study involves interpretation of variants in research participants for the purpose of population health screening. Participant phenotype was not available at the time of variant classification. Additional details can be found in publication PMID: 35346344, PMCID: PMC8962531

GeneDx
Classification: Uncertain significance. Last evaluated: 2023-10-25. Review status: criteria provided, single submitter. Criteria: GeneDx Variant Classification Process June 2021. Collection method: clinical testing. Allele origin: germline. Affected: yes.
Comment: Has not been previously published as pathogenic or benign to our knowledge; Not observed at significant frequency in large population cohorts (gnomAD); In silico analysis supports that this missense variant has a deleterious effect on protein structure/function; Not located in the triple helical region, where the majority of pathogenic missense variants occur (HGMD)

NM_000090.4(COL3A1):c.3602G>T (p.Gly1201Val)

Gene: COL3A1 (collagen type III alpha 1 chain; plus strand). Cytogenetic location: 2q32.2.
Variant type: single nucleotide variant.
Coding change: c.3602G>T on transcript NM_000090.4 (MANE Select); coding-DNA position 3602, G replaced by T.
Protein change: p.Gly1201Val; replaces glycine 1201 with valine.
Molecular consequence: missense variant.
Genome position (GRCh38, 1-based): chr2:189,009,000, G>T. VCF-style: chr2-189009000-G-T. GRCh37 (hg19) VCF-style: chr2-189873726-G-T.
Other names: short protein forms G1201V.
Identifiers: ClinVar variation 3071716 (VCV003071716.3), dbSNP rs2469166001, ClinGen allele CA349846718.